The following is an entry in ClinVar:

NM_004706.4(ARHGEF1):c.1245G>A (p.Val415=)

Gene: ARHGEF1 (Rho guanine nucleotide exchange factor 1; plus strand). Cytogenetic location: 19q13.2.
Variant type: single nucleotide variant.
Coding change: c.1245G>A on transcript NM_004706.4 (MANE Select); coding-DNA position 1245, G replaced by A.
Protein change: p.Val415=; no amino-acid change (valine 415 retained).
Molecular consequence: synonymous variant. On other transcripts: non-coding transcript variant (2).
Genome position (GRCh38, 1-based): chr19:41,898,565, G>A. VCF-style: chr19-41898565-G-A. GRCh37 (hg19) VCF-style: chr19-42402714-G-A.
Other names: c.1413G>A, p.Val471= (NM_001396000.1); c.1146G>A, p.Val382= (NM_001396002.1, NM_001396004.1, NM_198977.2); c.1245G>A, p.Val415= (NM_001396003.1, NM_001396006.1); c.1290G>A, p.Val430= (NM_199002.2).
Identifiers: ClinVar variation 3619900 (VCV003619900.2).

ClinVar aggregate classification (germline): Uncertain significance (1 of 4 stars; one submission).

Submission:

Labcorp Genetics (formerly Invitae), Labcorp
Classification: Uncertain significance. Last evaluated: 2024-12-04. Review status: criteria provided, single submitter. Criteria: Invitae Variant Classification Sherloc (09022015). Collection method: clinical testing. Allele origin: germline.
Comment: This sequence change affects codon 430 of the ARHGEF1 mRNA. It is a 'silent' change, meaning that it does not change the encoded amino acid sequence of the ARHGEF1 protein. This variant is not present in population databases (gnomAD no frequency). This variant has not been reported in the literature in individuals affected with ARHGEF1-related conditions. Algorithms developed to predict the effect of sequence changes on RNA splicing suggest that this variant may create or strengthen a splice site. In summary, the available evidence is currently insufficient to determine the role of this variant in disease. Therefore, it has been classified as a Variant of Uncertain Significance.